The following is an entry in ClinVar:

ClinVar aggregate classification (germline): Uncertain significance (1 of 4 stars; one submission).

Submission:

Labcorp Genetics (formerly Invitae), Labcorp
Classification: Uncertain significance. Last evaluated: 2022-12-04. Review status: criteria provided, single submitter. Criteria: Invitae Variant Classification Sherloc (09022015). Collection method: clinical testing. Allele origin: germline.
Comment: In summary, the available evidence is currently insufficient to determine the role of this variant in disease. Therefore, it has been classified as a Variant of Uncertain Significance. Algorithms developed to predict the effect of sequence changes on RNA splicing suggest that this variant may disrupt the consensus splice site. Advanced modeling of protein sequence and biophysical properties (such as structural, functional, and spatial information, amino acid conservation, physicochemical variation, residue mobility, and thermodynamic stability) performed at Invitae indicates that this missense variant is expected to disrupt ADD3 protein function. This variant has not been reported in the literature in individuals affected with ADD3-related conditions. This variant is not present in population databases (gnomAD no frequency). This sequence change replaces aspartic acid, which is acidic and polar, with tyrosine, which is neutral and polar, at codon 170 of the ADD3 protein (p.Asp170Tyr).

NM_016824.5(ADD3):c.508G>T (p.Asp170Tyr)

Gene: ADD3 (adducin 3; plus strand). Cytogenetic location: 10q25.2.
Variant type: single nucleotide variant.
Coding change: c.508G>T on transcript NM_016824.5 (MANE Select); coding-DNA position 508, G replaced by T.
Protein change: p.Asp170Tyr; replaces aspartic acid 170 with tyrosine.
Molecular consequence: missense variant.
Genome position (GRCh38, 1-based): chr10:110,117,363, G>T. VCF-style: chr10-110117363-G-T. GRCh37 (hg19) VCF-style: chr10-111877121-G-T.
Other names: c.508G>T, p.Asp170Tyr (NM_001121.4, NM_001320591.2, NM_001320592.2 and 2 more transcripts); c.274G>T, p.Asp92Tyr (NM_001320594.2); short protein forms D92Y, D170Y.
Identifiers: ClinVar variation 2818502 (VCV002818502.3), dbSNP rs2495935194, ClinGen allele CA378366767.